The following is an entry in ClinVar:

NM_022786.3(ARV1):c.73G>T (p.Ala25Ser)

Genes: ARV1 (ARV1 fatty acid homeostasis modulator; plus strand), LOC129932761 (ATAC-STARR-seq lymphoblastoid active region 2721; plus strand). Cytogenetic location: 1q42.2.
Variant type: single nucleotide variant.
Coding change: c.73G>T on transcript NM_022786.3 (MANE Select); coding-DNA position 73, G replaced by T.
Protein change: p.Ala25Ser; replaces alanine 25 with serine.
Molecular consequence: missense variant. On other transcripts: non-coding transcript variant (1).
Genome position (GRCh38, 1-based): chr1:230,979,178, G>T. VCF-style: chr1-230979178-G-T. GRCh37 (hg19) VCF-style: chr1-231114924-G-T.
Other names: c.73G>T (NM_022786.2); c.73G>T, p.Ala25Ser (NM_001346992.2); short protein forms A25S.
Identifiers: ClinVar variation 734292 (VCV000734292.31), dbSNP rs140251959, ClinGen allele CA1450367.

ClinVar aggregate classification (germline): Likely benign. Review status: criteria provided, multiple submitters, no conflicts (2 of 4 stars). 5 submissions from 5 submitters: Likely benign (4). 1 of the submissions does not count toward it. Last evaluated 2026-07-01.

Conditions:
ARV1-related disorder. Also called: ARV1-related condition. Identifiers: MedGen CN235539.
Inborn genetic diseases. Identifiers: MedGen C0950123, MeSH D030342.

Allele frequency attached by ClinVar (database versions not stated): TOPMed 0.00054; gnomAD 0.00061; ESP Exome Variant Server 0.00062; 1000 Genomes Project 30x 0.00078; 1000 Genomes Project 0.00100.
gnomAD v4.1: 1,101 of 1,613,244 alleles (0.068%); highest among the groups gnomAD compares: South Asian, 0.34%; 5 homozygotes.

Submissions (5):

CeGaT Center for Human Genetics Tuebingen
Classification: Likely benign. Last evaluated: 2026-07-01. Review status: criteria provided, single submitter. Criteria: CeGaT Center For Human Genetics Tuebingen Variant Classification Criteria Version 2. Collection method: clinical testing. Allele origin: germline. Affected: yes. Observed: 5 variant alleles.
Comment: ARV1: BP4

Blueprint Genetics
Classification: Likely benign. Last evaluated: 2024-10-18. Review status: criteria provided, single submitter. Criteria: ACMG Guidelines, 2015. Collection method: clinical testing. Allele origin: germline.

Ambry Genetics
Classification: Likely benign for Inborn genetic diseases. Last evaluated: 2024-06-17. Review status: criteria provided, single submitter. Criteria: Ambry Variant Classification Scheme 2023. Collection method: clinical testing. Allele origin: germline.

Labcorp Genetics (formerly Invitae), Labcorp
Classification: Likely benign. Last evaluated: 2019-12-31. Review status: criteria provided, single submitter. Criteria: Invitae Variant Classification Sherloc (09022015). Collection method: clinical testing. Allele origin: germline.

PreventionGenetics, part of Exact Sciences
Classification: Likely benign for ARV1-related condition. Last evaluated: 2022-09-28. Review status: no assertion criteria provided. Collection method: clinical testing. Allele origin: germline. Not counted in ClinVar's aggregate classification.
Comment: This variant is classified as likely benign based on ACMG/AMP sequence variant interpretation guidelines (Richards et al. 2015 PMID: 25741868, with internal and published modifications).